The following is an entry in ClinVar:

ClinVar aggregate classification (germline): Uncertain significance (1 of 4 stars; one submission).

Conditions:
Charcot-Marie-Tooth disease axonal type 2S. Also called: CHARCOT-MARIE-TOOTH NEUROPATHY, TYPE 2S; CHARCOT-MARIE-TOOTH DISEASE, AXONAL, AUTOSOMAL RECESSIVE, TYPE 2S. Identifiers: Orphanet 443073, MedGen C4015349, MONDO:0014511, OMIM 616155.
Autosomal recessive distal spinal muscular atrophy 1. Also called: SEVERE INFANTILE AXONAL NEUROPATHY WITH RESPIRATORY FAILURE; SPINAL MUSCULAR ATROPHY, DIAPHRAGMATIC; Spinal muscular atrophy with respiratory distress 1; HMN VI; NEURONOPATHY, SEVERE INFANTILE AXONAL, WITH RESPIRATORY FAILURE; NEURONOPATHY, DISTAL HEREDITARY MOTOR, HARDING TYPE VI. Identifiers: Orphanet 98920, MedGen C1858517, MONDO:0011436, OMIM 604320.

Allele frequency attached by ClinVar (database versions not stated): gnomAD exomes below 0.00001; TOPMed below 0.00001; gnomAD 0.00001.
gnomAD v4.1: 6 of 1,613,888 alleles (0.00037%); highest among the groups gnomAD compares: South Asian, 0.0011%; no homozygotes.

Submission:

Labcorp Genetics (formerly Invitae), Labcorp
Classification: Uncertain significance for Autosomal recessive distal spinal muscular atrophy 1; Charcot-Marie-Tooth disease axonal type 2S. Last evaluated: 2022-01-26. Review status: criteria provided, single submitter. Criteria: Invitae Variant Classification Sherloc (09022015). Collection method: clinical testing. Allele origin: germline.
Comment: This sequence change replaces alanine, which is neutral and non-polar, with valine, which is neutral and non-polar, at codon 75 of the IGHMBP2 protein (p.Ala75Val). This variant is not present in population databases (gnomAD no frequency). This variant has not been reported in the literature in individuals affected with IGHMBP2-related conditions. ClinVar contains an entry for this variant (Variation ID: 861192). Advanced modeling of protein sequence and biophysical properties (such as structural, functional, and spatial information, amino acid conservation, physicochemical variation, residue mobility, and thermodynamic stability) performed at Invitae indicates that this missense variant is not expected to disrupt IGHMBP2 protein function. In summary, the available evidence is currently insufficient to determine the role of this variant in disease. Therefore, it has been classified as a Variant of Uncertain Significance.

NM_002180.3(IGHMBP2):c.224C>T (p.Ala75Val)

Gene: IGHMBP2 (immunoglobulin mu DNA binding protein 2; plus strand). Cytogenetic location: 11q13.3.
Variant type: single nucleotide variant.
Coding change: c.224C>T on transcript NM_002180.3 (MANE Select); coding-DNA position 224, C replaced by T.
Protein change: p.Ala75Val; replaces alanine 75 with valine.
Molecular consequence: missense variant.
Genome position (GRCh38, 1-based): chr11:68,906,206, C>T. VCF-style: chr11-68906206-C-T. GRCh37 (hg19) VCF-style: chr11-68673674-C-T.
Other names: short protein forms A75V.
Identifiers: ClinVar variation 861192 (VCV000861192.7), dbSNP rs1444267409, ClinGen allele CA381642571.